The following is an entry in ClinVar:

NM_000781.3(CYP11A1):c.461T>C (p.Leu154Pro)

Gene: CYP11A1 (cytochrome P450 family 11 subfamily A member 1; minus strand). Cytogenetic location: 15q24.1.
Variant type: single nucleotide variant.
Coding change: c.461T>C on transcript NM_000781.3 (MANE Select); coding-DNA position 461, T replaced by C.
Protein change: p.Leu154Pro; replaces leucine 154 with proline.
Molecular consequence: missense variant. On other transcripts: 5 prime UTR variant (1).
Genome position (GRCh38, 1-based): chr15:74,345,208, A>G on the plus strand (T>C on the coding strand, the complement: CYP11A1 is on the minus strand). VCF-style: chr15-74345208-A-G. GRCh37 (hg19) VCF-style: chr15-74637549-A-G.
Other names: c.-14T>C (NM_001099773.2); short protein forms L154P.
Identifiers: ClinVar variation 3902406 (VCV003902406.1).

ClinVar aggregate classification (germline): Uncertain significance (1 of 4 stars; one submission).

gnomAD v4.1: 3 of 1,614,174 alleles (0.00019%); highest among the groups gnomAD compares: Non-Finnish European, 0.00025%; no homozygotes.

Submission:

Women's Health and Genetics/Laboratory Corporation of America, LabCorp
Classification: Uncertain significance. Last evaluated: 2025-05-08. Review status: criteria provided, single submitter. Criteria: LabCorp Variant Classification Summary - May 2015. Collection method: clinical testing. Allele origin: germline.
Comment: Variant summary: CYP11A1 c.461T>C (p.Leu154Pro) results in a non-conservative amino acid change in the encoded protein sequence. Algorithms developed to predict the effect of missense changes on protein structure and function all suggest that this variant is likely to be disruptive. The variant allele was found at a frequency of 4e-06 in 251300 control chromosomes. The available data on variant occurrences in the general population are insufficient to allow any conclusion about variant significance. c.461T>C has been observed in an individual affected with Congenital Adrenal Hyperplasia (Seven Menevse_2022). These data do not allow any conclusion about variant significance. To our knowledge, no experimental evidence demonstrating an impact on protein function has been reported. The following publication have been ascertained in the context of this evaluation (PMID: 35028661). No submitters have cited clinical-significance assessments for this variant to ClinVar. Based on the evidence outlined above, the variant was classified as uncertain significance.

Literature cited by the submitters: PubMed 35028661.